The following is an entry in ClinVar:

NM_003906.5(MCM3AP):c.5813T>C (p.Leu1938Pro)

Genes: MCM3AP (minichromosome maintenance complex component 3 associated protein; minus strand), MCM3AP-AS1 (MCM3AP antisense RNA 1; plus strand). Cytogenetic location: 21q22.3.
Variant type: single nucleotide variant.
Coding change: c.5813T>C on transcript NM_003906.5 (MANE Select); coding-DNA position 5813, T replaced by C.
Protein change: p.Leu1938Pro; replaces leucine 1938 with proline.
Molecular consequence: missense variant.
Genome position (GRCh38, 1-based): chr21:46,235,398, A>G on the plus strand (T>C on the coding strand, the complement: MCM3AP is on the minus strand). VCF-style: chr21-46235398-A-G. GRCh37 (hg19) VCF-style: chr21-47655312-A-G.
Other names: short protein forms L1938P.
Identifiers: ClinVar variation 1361510 (VCV001361510.8), dbSNP rs2123789148, ClinGen allele CA410533221.
Genomic context (GRCh38, chr21:46,235,398, plus strand): 5'-CGGATCAGCCTTTCCAGGTGCTTTAGTCGTTCGCCTAGACACGTTCCTGTCGCCTCTGAC[A>G]GCTGCAGTTGCTCCCTCATCATGTCACTCTATTTGAATAAAAAAGAAACTGAACAGTTTT-3'
Protein context (NP_003897.2, residues 1928-1948): QSDMMREQLQ[Leu1938Pro]SEATGTCLGE

ClinVar aggregate classification (germline): Uncertain significance (1 of 4 stars; one submission).

Submission:

Labcorp Genetics (formerly Invitae), Labcorp
Classification: Uncertain significance. Last evaluated: 2021-04-19. Review status: criteria provided, single submitter. Criteria: Invitae Variant Classification Sherloc (09022015). Collection method: clinical testing. Allele origin: germline.
Comment: In summary, the available evidence is currently insufficient to determine the role of this variant in disease. Therefore, it has been classified as a Variant of Uncertain Significance. Algorithms developed to predict the effect of missense changes on protein structure and function output the following: SIFT: "Tolerated"; PolyPhen-2: "Benign"; Align-GVGD: "Class C0". The proline amino acid residue is found in multiple mammalian species, suggesting that this missense change does not adversely affect protein function. These predictions have not been confirmed by published functional studies and their clinical significance is uncertain. This variant has not been reported in the literature in individuals with MCM3AP-related conditions. This variant is not present in population databases (ExAC no frequency). This sequence change replaces leucine with proline at codon 1938 of the MCM3AP protein (p.Leu1938Pro). The leucine residue is moderately conserved and there is a moderate physicochemical difference between leucine and proline.